The following is an entry in ClinVar:

NM_001365951.3(KIF1B):c.98A>G (p.Asn33Ser)

Genes: KIF1B (kinesin family member 1B; plus strand), LOC129388446 (MPRA-validated peak64 silencer; plus strand). Cytogenetic location: 1p36.22.
Variant type: single nucleotide variant.
Coding change: c.98A>G on transcript NM_001365951.3 (MANE Select); coding-DNA position 98, A replaced by G.
Protein change: p.Asn33Ser; replaces asparagine 33 with serine.
Molecular consequence: missense variant.
Genome position (GRCh38, 1-based): chr1:10,232,426, A>G. VCF-style: chr1-10232426-A-G. GRCh37 (hg19) VCF-style: chr1-10292484-A-G.
Other names: c.98A>G, p.Asn33Ser (NM_001365952.1, NM_001365953.1, NM_015074.3 and 1 more transcripts); short protein forms N33S.
Identifiers: ClinVar variation 2141576 (VCV002141576.5), dbSNP rs1646995102, ClinGen allele CA338316550.

ClinVar aggregate classification (germline): Uncertain significance. Review status: criteria provided, multiple submitters, no conflicts (2 of 4 stars). 2 submissions from 2 submitters: Uncertain significance (2). Last evaluated 2024-11-14.

Conditions:
Charcot-Marie-Tooth disease type 2. Also called: Charcot-Marie-Tooth type 2. Identifiers: Orphanet 64746, MedGen C0270914, MONDO:0018993.

gnomAD v4.1: 2 of 1,609,970 alleles (0.00012%); highest among the groups gnomAD compares: South Asian, 0.0011%; no homozygotes.

Submissions (2):

Ambry Genetics
Classification: Uncertain significance. Last evaluated: 2024-11-14. Review status: criteria provided, single submitter. Criteria: Ambry Variant Classification Scheme 2023. Collection method: clinical testing. Allele origin: germline.
Comment: The p.N33S variant (also known as c.98A>G), located in coding exon 1 of the KIF1B gene, results from an A to G substitution at nucleotide position 98. The asparagine at codon 33 is replaced by serine, an amino acid with highly similar properties. This amino acid position is conserved. In addition, this alteration is predicted to be tolerated by in silico analysis. Based on the available evidence, the clinical significance of this variant remains unclear.

Labcorp Genetics (formerly Invitae), Labcorp
Classification: Uncertain significance for Charcot-Marie-Tooth disease type 2. Last evaluated: 2022-10-26. Review status: criteria provided, single submitter. Criteria: Invitae Variant Classification Sherloc (09022015). Collection method: clinical testing. Allele origin: germline.
Comment: This variant is not present in population databases (gnomAD no frequency). This sequence change replaces asparagine, which is neutral and polar, with serine, which is neutral and polar, at codon 33 of the KIF1B protein (p.Asn33Ser). This variant has not been reported in the literature in individuals affected with KIF1B-related conditions. In summary, the available evidence is currently insufficient to determine the role of this variant in disease. Therefore, it has been classified as a Variant of Uncertain Significance. Advanced modeling of protein sequence and biophysical properties (such as structural, functional, and spatial information, amino acid conservation, physicochemical variation, residue mobility, and thermodynamic stability) performed at Invitae indicates that this missense variant is not expected to disrupt KIF1B protein function.